The following is an entry in ClinVar:

ClinVar aggregate classification (germline): Uncertain significance (1 of 4 stars; one submission).

Submission:

CeGaT Center for Human Genetics Tuebingen
Classification: Uncertain significance. Last evaluated: 2022-10-01. Review status: criteria provided, single submitter. Criteria: CeGaT Center For Human Genetics Tuebingen Variant Classification Criteria Version 2. Collection method: clinical testing. Allele origin: germline. Affected: yes. Observed: 1 variant allele.
Comment: COL9A1: PM2

NM_001851.6(COL9A1):c.1673C>T (p.Pro558Leu)

Gene: COL9A1 (collagen type IX alpha 1 chain; minus strand). Cytogenetic location: 6q13.
Variant type: single nucleotide variant.
Coding change: c.1673C>T on transcript NM_001851.6 (MANE Select); coding-DNA position 1673, C replaced by T.
Protein change: p.Pro558Leu; replaces proline 558 with leucine.
Molecular consequence: missense variant. On other transcripts: non-coding transcript variant (1).
Genome position (GRCh38, 1-based): chr6:70,254,522, G>A on the plus strand (C>T on the coding strand, the complement: COL9A1 is on the minus strand). VCF-style: chr6-70254522-G-A. GRCh37 (hg19) VCF-style: chr6-70964225-G-A.
Other names: c.974C>T, p.Pro325Leu (NM_001377289.1); c.944C>T, p.Pro315Leu (NM_001377290.1, NM_078485.4); short protein forms P315L, P325L, P558L.
Identifiers: ClinVar variation 2656688 (VCV002656688.24), dbSNP rs2483312698, ClinGen allele CA364677641.
Genomic context (GRCh38, chr6:70,254,522, plus strand): 5'-AATCAAATACTTACTGGTAACCCCTGCAATCCTGCATCACCAGGAGGCCCAGGTTTTCCT[G>A]GTTCACCCTGCAAAAAAAGCTTTTATCACATGATTGAACCTGTATGAGCTGCTGTATTTC-3'
Protein context (NP_001842.3, residues 548-568): IPGMPGTKGE[Pro558Leu]GKPGPPGDAG